The following is an entry in ClinVar:

ClinVar aggregate classification (germline): Benign (1 of 4 stars; one submission).

Allele frequency attached by ClinVar (database versions not stated): gnomAD exomes 0.00188; 1000 Genomes Project 0.01637; gnomAD 0.01684 and 0.01826; 1000 Genomes Project 30x 0.01811; TOPMed 0.01821.
gnomAD v4.1: 4,375 of 1,070,730 alleles (0.41%); highest among the groups gnomAD compares: African/African-American, 6.1%; 130 homozygotes.

Submission:

GeneDx
Classification: Benign. Last evaluated: 2018-06-14. Review status: criteria provided, single submitter. Criteria: GeneDx Variant Classification (06012015). Collection method: clinical testing. Allele origin: germline. Affected: yes.
Comment: This variant is considered likely benign or benign based on one or more of the following criteria: it is a conservative change, it occurs at a poorly conserved position in the protein, it is predicted to be benign by multiple in silico algorithms, and/or has population frequency not consistent with disease.

NM_003242.6(TGFBR2):c.1397-140A>C

Gene: TGFBR2 (transforming growth factor beta receptor 2; plus strand). Cytogenetic location: 3p24.1.
Variant type: single nucleotide variant.
Coding change: c.1397-140A>C on transcript NM_003242.6 (MANE Select); 140 bases into the intron before coding-DNA position 1397, A replaced by C.
Molecular consequence: intron variant.
Genome position (GRCh38, 1-based): chr3:30,688,244, A>C. VCF-style: chr3-30688244-A-C. GRCh37 (hg19) VCF-style: chr3-30729736-A-C.
Other names: c.1400-140A>C (NM_001407129.1); c.1292-140A>C (NM_001407132.1, NM_001407136.1, NM_001407133.1 and 2 more transcripts); c.1580-140A>C (NM_001407126.1); c.1472-140A>C (NM_001024847.3); c.530-143A>C (NM_001407139.1); c.1112-140A>C (NM_001407137.1); c.1505-140A>C (NM_001407127.1); c.1397-143A>C (NM_001407130.1); and 2 more.
Identifiers: ClinVar variation 675651 (VCV000675651.2), dbSNP rs11466525, ClinGen allele CA71543406.